The following is an entry in ClinVar:

ClinVar aggregate classification (germline): Uncertain significance. Review status: criteria provided, multiple submitters, no conflicts (2 of 4 stars). 2 submissions from 2 submitters: Uncertain significance (2). Last evaluated 2024-01-12.

Conditions:
Early-infantile DEE. Also called: Early infantile epileptic encephalopathy with suppression bursts; Early infantile epileptic encephalopathy; Ohtahara syndrome. Identifiers: Orphanet 1934, MedGen C0393706, MONDO:0800491.
Inborn genetic diseases. Identifiers: MedGen C0950123, MeSH D030342.

Allele frequency attached by ClinVar (database versions not stated): TOPMed below 0.00001; ExAC 0.00002; gnomAD exomes 0.00001.
gnomAD v4.1: 11 of 1,613,992 alleles (0.00068%); highest among the groups gnomAD compares: Non-Finnish European, 0.00085%; no homozygotes.

Submissions (2):

Labcorp Genetics (formerly Invitae), Labcorp
Classification: Uncertain significance for Early-infantile DEE. Last evaluated: 2024-01-12. Review status: criteria provided, single submitter. Criteria: Invitae Variant Classification Sherloc (09022015). Collection method: clinical testing. Allele origin: germline.
Comment: This sequence change replaces glutamic acid, which is acidic and polar, with lysine, which is basic and polar, at codon 1901 of the SPTAN1 protein (p.Glu1901Lys). This variant is present in population databases (rs748450616, gnomAD 0.0009%). This missense change has been observed in individual(s) with clinical features of developmental and epileptic encephalopathy (PMID: 31069529; Invitae). ClinVar contains an entry for this variant (Variation ID: 1749179). Advanced modeling of protein sequence and biophysical properties (such as structural, functional, and spatial information, amino acid conservation, physicochemical variation, residue mobility, and thermodynamic stability) has been performed at Invitae for this missense variant, however the output from this modeling did not meet the statistical confidence thresholds required to predict the impact of this variant on SPTAN1 protein function. In summary, the available evidence is currently insufficient to determine the role of this variant in disease. Therefore, it has been classified as a Variant of Uncertain Significance.

Ambry Genetics
Classification: Uncertain significance for Inborn genetic diseases. Last evaluated: 2017-07-27. Review status: criteria provided, single submitter. Criteria: Ambry Variant Classification Scheme 2023. Collection method: clinical testing. Allele origin: germline.
Comment: The p.E1901K variant (also known as c.5701G>A), located in coding exon 43 of the SPTAN1 gene, results from a G to A substitution at nucleotide position 5701. The glutamic acid at codon 1901 is replaced by lysine, an amino acid with similar properties. This amino acid position is highly conserved in available vertebrate species. In addition, the in silico prediction for this alteration is inconclusive. Since supporting evidence is limited at this time, the clinical significance of this alteration remains unclear.

Literature cited by the submitters: PubMed 31069529 (cited by Labcorp Genetics (formerly Invitae), Labcorp).

NM_001130438.3(SPTAN1):c.5701G>A (p.Glu1901Lys)

Gene: SPTAN1 (spectrin alpha, non-erythrocytic 1; plus strand). Cytogenetic location: 9q34.11.
Variant type: single nucleotide variant.
Coding change: c.5701G>A on transcript NM_001130438.3 (MANE Select); coding-DNA position 5701, G replaced by A.
Protein change: p.Glu1901Lys; replaces glutamic acid 1901 with lysine.
Molecular consequence: missense variant.
Genome position (GRCh38, 1-based): chr9:128,618,971, G>A. VCF-style: chr9-128618971-G-A. GRCh37 (hg19) VCF-style: chr9-131381250-G-A.
Other names: c.5641G>A, p.Glu1881Lys (NM_001375314.2, NM_001363765.2); c.5737G>A, p.Glu1913Lys (NM_001375318.1, NM_001375312.2); c.5686G>A, p.Glu1896Lys (NM_003127.4); c.5626G>A, p.Glu1876Lys (NM_001195532.2); c.5701G>A, p.Glu1901Lys (NM_001363759.2, NM_001375310.1, NM_001375311.2 and 1 more transcripts); short protein forms E1901K, E1913K, E1876K, E1896K, E1881K.
Identifiers: ClinVar variation 1749179 (VCV001749179.5), dbSNP rs748450616, ClinGen allele CA5265534.